The following is an entry in ClinVar:

ClinVar aggregate classification (germline): Uncertain significance (1 of 4 stars; one submission).

Submission:

Labcorp Genetics (formerly Invitae), Labcorp
Classification: Uncertain significance. Last evaluated: 2022-01-11. Review status: criteria provided, single submitter. Criteria: Invitae Variant Classification Sherloc (09022015). Collection method: clinical testing. Allele origin: germline.
Comment: This variant is a gross deletion of the genomic region encompassing exon(s) 7-8 of the SUGCT gene. This deletion is out-of-frame, and is expected to create a premature translational stop signal and result in an absent or disrupted protein product. However, the current clinical and genetic evidence is not sufficient to establish whether loss-of-function variants in SUGCT cause disease. In summary, the available evidence is currently insufficient to determine the role of this variant in disease. Therefore, it has been classified as a Variant of Uncertain Significance. This variant has not been reported in the literature in individuals affected with SUGCT-related conditions.

NC_000007.13:g.(?_40277214)_(40314275_?)del

Gene: SUGCT (succinyl-CoA:glutarate-CoA transferase; plus strand). Cytogenetic location: 7p14.1.
Variant type: Deletion.
Identifiers: ClinVar variation 2426876 (VCV002426876.4).